The following is an entry in ClinVar:

NM_005883.3(APC2):c.5C>T (p.Ala2Val)

Gene: APC2 (APC regulator of Wnt signaling pathway 2; plus strand). Cytogenetic location: 19p13.3.
Variant type: single nucleotide variant.
Coding change: c.5C>T on transcript NM_005883.3 (MANE Select); coding-DNA position 5, C replaced by T.
Protein change: p.Ala2Val; replaces alanine 2 with valine.
Molecular consequence: missense variant.
Genome position (GRCh38, 1-based): chr19:1,453,006, C>T. VCF-style: chr19-1453006-C-T. GRCh37 (hg19) VCF-style: chr19-1453005-C-T.
Other names: c.5C>T, p.Ala2Val (NM_001351273.1); short protein forms A2V.
Identifiers: ClinVar variation 3634780 (VCV003634780.2).

ClinVar aggregate classification (germline): Uncertain significance (1 of 4 stars; one submission).

gnomAD v4.1: 56 of 1,611,000 alleles (0.0035%); highest among the groups gnomAD compares: Admixed American, 0.01%; 1 homozygote.

Submission:

Labcorp Genetics (formerly Invitae), Labcorp
Classification: Uncertain significance. Last evaluated: 2024-12-04. Review status: criteria provided, single submitter. Criteria: Invitae Variant Classification Sherloc (09022015). Collection method: clinical testing. Allele origin: germline.
Comment: This sequence change replaces alanine, which is neutral and non-polar, with valine, which is neutral and non-polar, at codon 2 of the APC2 protein (p.Ala2Val). This variant is present in population databases (rs531742805, gnomAD 0.009%). This variant has not been reported in the literature in individuals affected with APC2-related conditions. An algorithm developed to predict the effect of missense changes on protein structure and function (PolyPhen-2) suggests that this variant is likely to be tolerated. In summary, the available evidence is currently insufficient to determine the role of this variant in disease. Therefore, it has been classified as a Variant of Uncertain Significance.